The following is an entry in ClinVar:

NC_000004.11:g.(?_107114746)_(107171655_?)del

Gene: TBCK (TBC1 domain containing kinase; minus strand). Cytogenetic location: 4q24.
Variant type: Deletion.
Identifiers: ClinVar variation 2423897 (VCV002423897.4).

ClinVar aggregate classification (germline): Pathogenic (1 of 4 stars; one submission).

Submission:

Labcorp Genetics (formerly Invitae), Labcorp
Classification: Pathogenic. Last evaluated: 2022-11-01. Review status: criteria provided, single submitter. Criteria: Invitae Variant Classification Sherloc (09022015). Collection method: clinical testing. Allele origin: germline.
Comment: For these reasons, this variant has been classified as Pathogenic. A similar copy number variant has been observed in individual(s) with TBCK-related conditions (PMID: 27040691). This variant is a gross deletion of the genomic region encompassing exon(s) 7-22 of the TBCK gene. This deletion is out-of-frame, and is expected to create a premature termination codon and result in an absent or disrupted protein product. Loss-of-function variants in TBCK are known to be pathogenic (PMID: 27040692, 30103036).

Literature cited by the submitters: PubMed 27040691; PubMed 27040692; PubMed 30103036.